The following is an entry in ClinVar:

NM_006231.4(POLE):c.958T>G (p.Phe320Val)

Gene: POLE (DNA polymerase epsilon, catalytic subunit; minus strand). Cytogenetic location: 12q24.33.
Variant type: single nucleotide variant.
Coding change: c.958T>G on transcript NM_006231.4 (MANE Select); coding-DNA position 958, T replaced by G.
Protein change: p.Phe320Val; replaces phenylalanine 320 with valine.
Molecular consequence: missense variant.
Genome position (GRCh38, 1-based): chr12:132,676,156, A>C on the plus strand (T>G on the coding strand, the complement: POLE is on the minus strand). VCF-style: chr12-132676156-A-C. GRCh37 (hg19) VCF-style: chr12-133252742-A-C.
Other names: short protein forms F320V.
Identifiers: ClinVar variation 3781547 (VCV003781547.1).
Genomic context (GRCh38, chr12:132,676,156, plus strand): 5'-CATCGGGTTCATTGAAGACACAAAAGGGGCCTTCATATTCTGGCTTGGGGGTGAACTCAA[A>C]ATCTTCAATATCTTCTGAAACAATCTCCCTGTTGGTGATGAGGTAGCCCTAGCCAAGTTC-3'
Protein context (NP_006222.2, residues 310-330): REIVSEDIED[Phe320Val]EFTPKPEYEG

ClinVar aggregate classification (germline): Uncertain significance (1 of 4 stars; one submission).

Conditions:
Hereditary cancer-predisposing syndrome. Also called: Neoplastic Syndromes, Hereditary; Hereditary Cancer Syndrome; Tumor predisposition; Hereditary neoplastic syndrome. Identifiers: Orphanet 140162, MedGen C0027672, MeSH D009386, MONDO:0015356.

Submission:

Ambry Genetics
Classification: Uncertain significance for Hereditary cancer-predisposing syndrome. Last evaluated: 2025-01-05. Review status: criteria provided, single submitter. Criteria: Ambry Variant Classification Scheme 2023. Collection method: clinical testing. Allele origin: germline.
Comment: The p.F320V variant (also known as c.958T>G), located in coding exon 10 of the POLE gene, results from a T to G substitution at nucleotide position 958. The phenylalanine at codon 320 is replaced by valine, an amino acid with highly similar properties. This amino acid position is conserved. In addition, the in silico prediction for this alteration is inconclusive. Based on the available evidence, the clinical significance of this variant remains unclear.